The following is an entry in ClinVar:

ClinVar aggregate classification (germline): Conflicting classifications of pathogenicity. Review status: criteria provided, conflicting classifications (1 of 4 stars). 4 submissions from 4 submitters: Uncertain significance (3); Likely benign (1). Last evaluated 2026-01-25.

Conditions:
Familial thoracic aortic aneurysm and aortic dissection (TAAD). Also called: Thoracic aortic aneurysms and dissections. Identifiers: Orphanet 91387, MedGen C4707243, MONDO:0019625.
Aortic aneurysm, familial thoracic 7 (AAT7). Also called: AORTIC DISSECTION, FAMILIAL, WITH OR WITHOUT AORTIC ANEURYSM. Identifiers: MedGen C3151077, MONDO:0013418, OMIM 613780.

Allele frequency attached by ClinVar (database versions not stated): ExAC 0.00002; gnomAD 0.00002; TOPMed 0.00003.
gnomAD v4.1: 30 of 1,613,612 alleles (0.0019%); highest among the groups gnomAD compares: Admixed American, 0.005%; no homozygotes.

Submissions (4):

Labcorp Genetics (formerly Invitae), Labcorp
Classification: Uncertain significance for Aortic aneurysm, familial thoracic 7. Last evaluated: 2026-01-25. Review status: criteria provided, single submitter. Criteria: Invitae Variant Classification Sherloc (09022015). Collection method: clinical testing. Allele origin: germline.
Comment: This sequence change replaces asparagine, which is neutral and polar, with serine, which is neutral and polar, at codon 311 of the MYLK protein (p.Asn311Ser). This variant is present in population databases (rs752034973, gnomAD 0.003%). This variant has not been reported in the literature in individuals affected with MYLK-related conditions. ClinVar contains an entry for this variant (Variation ID: 2083881). Invitae Evidence Modeling of protein sequence and biophysical properties (such as structural, functional, and spatial information, amino acid conservation, physicochemical variation, residue mobility, and thermodynamic stability) indicates that this missense variant is not expected to disrupt MYLK protein function with a negative predictive value of 95%. In summary, the available evidence is currently insufficient to determine the role of this variant in disease. Therefore, it has been classified as a Variant of Uncertain Significance.

GeneDx
Classification: Uncertain significance. Last evaluated: 2024-01-23. Review status: criteria provided, single submitter. Criteria: GeneDx Variant Classification Process June 2021. Collection method: clinical testing. Allele origin: germline. Affected: yes.
Comment: Has not been previously published as pathogenic or benign to our knowledge; Not observed at significant frequency in large population cohorts (gnomAD); In silico analysis supports that this missense variant does not alter protein structure/function

Ambry Genetics
Classification: Uncertain significance for Familial thoracic aortic aneurysm and aortic dissection. Last evaluated: 2023-09-20. Review status: criteria provided, single submitter. Criteria: Ambry Variant Classification Scheme 2023. Collection method: clinical testing. Allele origin: germline.

Blueprint Genetics
Classification: Likely benign. Last evaluated: 2023-08-18. Review status: criteria provided, single submitter. Criteria: ACMG Guidelines, 2015. Collection method: clinical testing. Allele origin: germline.

NM_053025.4(MYLK):c.932A>G (p.Asn311Ser)

Gene: MYLK (myosin light chain kinase; minus strand). Cytogenetic location: 3q21.1.
Variant type: single nucleotide variant.
Coding change: c.932A>G on transcript NM_053025.4 (MANE Select); coding-DNA position 932, A replaced by G.
Protein change: p.Asn311Ser; replaces asparagine 311 with serine.
Molecular consequence: missense variant.
Genome position (GRCh38, 1-based): chr3:123,734,064, T>C on the plus strand (A>G on the coding strand, the complement: MYLK is on the minus strand). VCF-style: chr3-123734064-T-C. GRCh37 (hg19) VCF-style: chr3-123452911-T-C.
Other names: c.404A>G, p.Asn135Ser (NM_001321309.2); c.932A>G, p.Asn311Ser (NM_053026.4, NM_053027.4, NM_053028.4); c.932A>G (NM_053025.3); short protein forms N135S, N311S.
Identifiers: ClinVar variation 2083881 (VCV002083881.7), dbSNP rs752034973, ClinGen allele CA073757.